The following is an entry in ClinVar:

NM_152594.3(SPRED1):c.893A>G (p.Asp298Gly)

Gene: SPRED1 (sprouty related EVH1 domain containing 1; plus strand). Cytogenetic location: 15q14.
Variant type: single nucleotide variant.
Coding change: c.893A>G on transcript NM_152594.3 (MANE Select); coding-DNA position 893, A replaced by G.
Protein change: p.Asp298Gly; replaces aspartic acid 298 with glycine.
Molecular consequence: missense variant.
Genome position (GRCh38, 1-based): chr15:38,351,222, A>G. VCF-style: chr15-38351222-A-G. GRCh37 (hg19) VCF-style: chr15-38643423-A-G.
Other names: short protein forms D298G.
Identifiers: ClinVar variation 1707386 (VCV001707386.2), dbSNP rs2542742959, ClinGen allele CA391933486.

ClinVar aggregate classification (germline): Uncertain significance (1 of 4 stars; one submission).

Submission:

GeneDx
Classification: Uncertain significance. Last evaluated: 2022-09-23. Review status: criteria provided, single submitter. Criteria: GeneDx Variant Classification Process June 2021. Collection method: clinical testing. Allele origin: germline. Affected: yes.
Comment: Not observed at significant frequency in large population cohorts (gnomAD); In silico analysis supports that this missense variant does not alter protein structure/function; Has not been previously published as pathogenic or benign to our knowledge